The following is an entry in ClinVar:

NM_014956.5(CEP164):c.4319C>A (p.Ala1440Asp)

Gene: CEP164 (centrosomal protein 164; plus strand). Cytogenetic location: 11q23.3.
Variant type: single nucleotide variant.
Coding change: c.4319C>A on transcript NM_014956.5 (MANE Select); coding-DNA position 4319, C replaced by A.
Protein change: p.Ala1440Asp; replaces alanine 1440 with aspartic acid.
Molecular consequence: missense variant.
Genome position (GRCh38, 1-based): chr11:117,412,104, C>A. VCF-style: chr11-117412104-C-A. GRCh37 (hg19) VCF-style: chr11-117282820-C-A.
Other names: c.4304C>A, p.Ala1435Asp (NM_001271933.2); c.4325C>A, p.Ala1442Asp (NM_001440949.1); c.4319C>A, p.Ala1440Asp (NM_001440950.1, NM_001440951.1); c.4310C>A, p.Ala1437Asp (NM_001440952.1); c.4295C>A, p.Ala1432Asp (NM_001440953.1); c.4241C>A, p.Ala1414Asp (NM_001440954.1, NM_001440955.1); c.4232C>A, p.Ala1411Asp (NM_001440956.1); c.4229C>A, p.Ala1410Asp (NM_001440957.1); and 21 more; short protein forms A1321D, A1365D, A1390D, A1394D, A1315D, A1357D, A1364D, A1379D.
Identifiers: ClinVar variation 5002392 (VCV005002392.1).

ClinVar aggregate classification (germline): Uncertain significance (1 of 4 stars; one submission).

Conditions:
CEP164-related disorder. Also called: CEP164-related condition.

gnomAD v4.1: 4 of 1,614,058 alleles (0.00025%); highest among the groups gnomAD compares: Non-Finnish European, 0.00034%; no homozygotes.

Submission:

PreventionGenetics, part of Exact Sciences
Classification: Uncertain significance for CEP164-related condition. Last evaluated: 2025-07-30. Review status: criteria provided, single submitter. Criteria: ACMG Guidelines, 2015. Collection method: clinical testing. Allele origin: germline.
Comment: The CEP164 c.4319C>A variant is predicted to result in the amino acid substitution p.Ala1440Asp. To our knowledge, this variant has not been reported in the literature. This variant is reported in 0.0065% of alleles in individuals of European (Non-Finnish) descent in gnomAD. At this time, the clinical significance of this variant is uncertain due to the absence of conclusive functional and genetic evidence.